The following is an entry in ClinVar:

NM_152594.3(SPRED1):c.733del (p.Ile245fs)

Gene: SPRED1 (sprouty related EVH1 domain containing 1; plus strand). Cytogenetic location: 15q14.
Variant type: Deletion.
Coding change: c.733del on transcript NM_152594.3 (MANE Select); coding-DNA position 733, one base deleted (A; older notation c.733delA).
Protein change: p.Ile245fs; shifts the reading frame from isoleucine 245.
Molecular consequence: frameshift variant.
Genome position (GRCh38, 1-based): chr15:38,351,062, A deleted. VCF-style (leftmost placement, unchanged base first): chr15-38351061-GA-G. GRCh37 (hg19) VCF-style: chr15-38643262-GA-G.
Other names: short protein forms I245fs.
Identifiers: ClinVar variation 4811480 (VCV004811480.1).

ClinVar aggregate classification (germline): Pathogenic (1 of 4 stars; one submission).

Conditions:
Legius syndrome. Identifiers: Orphanet 137605, MedGen C1969623, MONDO:0012669, OMIM 611431. Disease mechanism: loss of function.

Submission:

Labcorp Genetics (formerly Invitae), Labcorp
Classification: Pathogenic for Legius syndrome. Last evaluated: 2025-11-27. Review status: criteria provided, single submitter. Criteria: Invitae Variant Classification Sherloc (09022015). Collection method: clinical testing. Allele origin: germline.
Comment: This sequence change creates a premature translational stop signal (p.Ile245Leufs*4) in the SPRED1 gene. While this is not anticipated to result in nonsense mediated decay, it is expected to disrupt the last 200 amino acid(s) of the SPRED1 protein. This variant is not present in population databases (gnomAD no frequency). This variant has not been reported in the literature in individuals affected with SPRED1-related conditions. This variant disrupts a region of the SPRED1 protein in which other variant(s) (p.Cys418Alafs*6) have been determined to be pathogenic (PMID: 19920235). This suggests that this is a clinically significant region of the protein, and that variants that disrupt it are likely to be disease-causing. For these reasons, this variant has been classified as Pathogenic.

Literature cited by the submitters: PubMed 19920235.